The following is an entry in ClinVar:

NM_020320.5(RARS2):c.297+2T>G

Gene: RARS2 (arginyl-tRNA synthetase 2, mitochondrial; minus strand). Cytogenetic location: 6q15.
Variant type: single nucleotide variant.
Coding change: c.297+2T>G on transcript NM_020320.5 (MANE Select); the canonical splice donor site of the intron after coding-DNA position 297, T replaced by G.
Molecular consequence: splice donor variant.
Genome position (GRCh38, 1-based): chr6:87,562,700, A>C on the plus strand (T>G on the coding strand, the complement: RARS2 is on the minus strand). VCF-style: chr6-87562700-A-C. GRCh37 (hg19) VCF-style: chr6-88272418-A-C.
Other names: c.297+2T>G (NM_001350505.2, NM_020320.4); c.-173+2T>G (NM_001350509.2, NM_001318785.2); c.-229+2T>G (NM_001350506.2, NM_001350510.2, NM_001350511.2 and 1 more transcripts); c.-391+2T>G (NM_001350508.2).
Identifiers: ClinVar variation 939816 (VCV000939816.12), dbSNP rs574343583, ClinGen allele CA3916704.

ClinVar aggregate classification (germline): Pathogenic/Likely pathogenic. Review status: criteria provided, multiple submitters, no conflicts (2 of 4 stars). 4 submissions from 4 submitters: Pathogenic (2); Likely pathogenic (2). Last evaluated 2026-01-13.

Conditions:
Pontocerebellar hypoplasia type 6 (PCH6). Identifiers: Orphanet 166073, MedGen C1969084, MONDO:0012683, OMIM 611523.

Allele frequency attached by ClinVar (database versions not stated): ExAC 0.00001; gnomAD 0.00001; TOPMed 0.00001; gnomAD exomes 0.00002.
gnomAD v4.1: 27 of 1,595,956 alleles (0.0017%); highest among the groups gnomAD compares: Non-Finnish European, 0.0023%; no homozygotes.

Submissions (4):

Labcorp Genetics (formerly Invitae), Labcorp
Classification: Pathogenic. Last evaluated: 2026-01-13. Review status: criteria provided, single submitter. Criteria: Invitae Variant Classification Sherloc (09022015). Collection method: clinical testing. Allele origin: germline.
Comment: This sequence change affects a donor splice site in intron 4 of the RARS2 gene. It is expected to disrupt RNA splicing. Variants that disrupt the donor or acceptor splice site typically lead to a loss of protein function (PMID: 16199547), and loss-of-function variants in RARS2 are known to be pathogenic (PMID: 17847012, 22569581, 26083569). This variant is present in population databases (rs574343583, gnomAD 0.004%). Disruption of this splice site has been observed in individual(s) with pontocerebellar hypoplasia (PMID: 27683254). In at least one individual the data is consistent with being in trans (on the opposite chromosome) from a pathogenic variant. ClinVar contains an entry for this variant (Variation ID: 939816). Algorithms developed to predict the effect of sequence changes on RNA splicing suggest that this variant may disrupt the consensus splice site. For these reasons, this variant has been classified as Pathogenic.

Natera, Inc.
Classification: Likely pathogenic for Pontocerebellar hypoplasia, type 6. Last evaluated: 2025-06-25. Review status: criteria provided, single submitter. Criteria: Natera Variant Classification Schema (03/2026). Collection method: clinical testing. Allele origin: germline.
Comment: The c.297+2T>G variant in RARS2 is a canonical splice donor site variant predicted to affect pre-mRNA splicing, which may result in an abnormal transcript and altered protein product. This variant may result in a truncated or dysfunctional protein product. This variant is rare in the general population with a frequency below the threshold expected for the associated phenotype(s). This variant has been observed in one or more individuals affected with the associated recessive disease, as either homozygous or compound heterozygous with a second variant (PMID: 27683254). Functional studies show that this variant may disrupt protein function (PMID: 27683254). Given the available evidence, this variant is classified as Likely Pathogenic.

Fulgent Genetics
Classification: Likely pathogenic for Pontocerebellar hypoplasia type 6. Last evaluated: 2024-06-13. Review status: criteria provided, single submitter. Criteria: ACMG Guidelines, 2015. Collection method: clinical testing. Allele origin: germline.

Baylor Genetics
Classification: Pathogenic for Pontocerebellar hypoplasia type 6. Last evaluated: 2024-01-28. Review status: criteria provided, single submitter. Criteria: ACMG Guidelines, 2015. Collection method: clinical testing. Allele origin: unknown.

Literature cited by the submitters: PubMed 16199547 (cited by Labcorp Genetics (formerly Invitae), Labcorp); PubMed 17847012 (cited by Labcorp Genetics (formerly Invitae), Labcorp); PubMed 22569581 (cited by Labcorp Genetics (formerly Invitae), Labcorp); PubMed 26083569 (cited by Labcorp Genetics (formerly Invitae), Labcorp); PubMed 27683254 (cited by Labcorp Genetics (formerly Invitae), Labcorp and Natera, Inc.).